The following is an entry in ClinVar:

ClinVar aggregate classification (germline): Uncertain significance (1 of 4 stars; one submission).

Conditions:
Long QT syndrome (LQTS). Identifiers: MedGen C0023976, MeSH D008133, MONDO:0002442. Disease mechanism: loss of function. Inheritance: Various modes of inheritance.

Allele frequency attached by ClinVar (database versions not stated): gnomAD exomes below 0.00001.
gnomAD v4.1: 1 of 1,554,726 alleles (0.000064%); highest among the groups gnomAD compares: Non-Finnish European, 0.000087%; no homozygotes.

Submission:

Labcorp Genetics (formerly Invitae), Labcorp
Classification: Uncertain significance for Long QT syndrome. Last evaluated: 2022-11-22. Review status: criteria provided, single submitter. Criteria: Invitae Variant Classification Sherloc (09022015). Collection method: clinical testing. Allele origin: germline.
Comment: In summary, the available evidence is currently insufficient to determine the role of this variant in disease. Therefore, it has been classified as a Variant of Uncertain Significance. Algorithms developed to predict the effect of missense changes on protein structure and function (SIFT, PolyPhen-2, Align-GVGD) all suggest that this variant is likely to be tolerated. This variant has not been reported in the literature in individuals affected with KCNH2-related conditions. This variant is not present in population databases (gnomAD no frequency). This sequence change replaces proline, which is neutral and non-polar, with alanine, which is neutral and non-polar, at codon 1020 of the KCNH2 protein (p.Pro1020Ala).

NM_000238.4(KCNH2):c.3058C>G (p.Pro1020Ala)

Gene: KCNH2 (potassium voltage-gated channel subfamily H member 2; minus strand). Cytogenetic location: 7q36.1.
Variant type: single nucleotide variant.
Coding change: c.3058C>G on transcript NM_000238.4 (MANE Select); coding-DNA position 3058, C replaced by G.
Protein change: p.Pro1020Ala; replaces proline 1020 with alanine.
Molecular consequence: missense variant.
Genome position (GRCh38, 1-based): chr7:150,947,422, G>C on the plus strand (C>G on the coding strand, the complement: KCNH2 is on the minus strand). VCF-style: chr7-150947422-G-C. GRCh37 (hg19) VCF-style: chr7-150644510-G-C.
Other names: c.2770C>G, p.Pro924Ala (NM_001406753.1); c.2038C>G, p.Pro680Ala (NM_172057.3); short protein forms P680A, P1020A, P924A.
Identifiers: ClinVar variation 1918665 (VCV001918665.5), dbSNP rs41307274, ClinGen allele CA369852787.
Genomic context (GRCh38, chr7:150,947,422, plus strand): 5'-TCTCCACGTCGCCCCGGGGCCGCCGACCCGGGCTGGAGAGGGGGATGTTGAGGAGGCTGG[G>C]GGTGGGGGCGGGGCATCGAGGGAGCTCCTGGTACTGGCGGCCCCGACTGTCCCCCCAGAA-3'
Protein context (NP_000229.1, residues 1010-1030): QELPRCPAPT[Pro1020Ala]SLLNIPLSSP